The following is an entry in ClinVar:

NM_005751.5(AKAP9):c.6022G>A (p.Val2008Ile)

Gene: AKAP9 (A-kinase anchoring protein 9; plus strand). Cytogenetic location: 7q21.2.
Variant type: single nucleotide variant.
Coding change: c.6022G>A on transcript NM_005751.5 (MANE Select); coding-DNA position 6022, G replaced by A.
Protein change: p.Val2008Ile; replaces valine 2008 with isoleucine.
Molecular consequence: missense variant.
Genome position (GRCh38, 1-based): chr7:92,065,275, G>A. VCF-style: chr7-92065275-G-A. GRCh37 (hg19) VCF-style: chr7-91694589-G-A.
Other names: c.667G>A, p.Val223Ile (NM_001379277.1); c.6022G>A, p.Val2008Ile (NM_147185.3); short protein forms V2008I, V223I.
Identifiers: ClinVar variation 412022 (VCV000412022.10), dbSNP rs951438275, ClinGen allele CA16612169.

ClinVar aggregate classification (germline): Conflicting classifications of pathogenicity. Review status: criteria provided, conflicting classifications (1 of 4 stars). 2 submissions from 2 submitters: Uncertain significance (1); Likely benign (1). Last evaluated 2025-07-07.

Conditions:
Cardiovascular phenotype. Identifiers: MedGen CN230736.
Long QT syndrome (LQTS). Identifiers: MedGen C0023976, MeSH D008133, MONDO:0002442. Disease mechanism: loss of function. Inheritance: Various modes of inheritance.

Allele frequency attached by ClinVar (database versions not stated): gnomAD 0.00001; gnomAD exomes 0.00001.
gnomAD v4.1: 8 of 1,612,512 alleles (0.0005%); highest among the groups gnomAD compares: East Asian, 0.0067%; no homozygotes.

Submissions (2):

Ambry Genetics
Classification: Likely benign for Cardiovascular phenotype. Last evaluated: 2025-07-07. Review status: criteria provided, single submitter. Criteria: Ambry Variant Classification Scheme 2023. Collection method: clinical testing. Allele origin: germline.

Labcorp Genetics (formerly Invitae), Labcorp
Classification: Uncertain significance for Long QT syndrome. Last evaluated: 2016-04-18. Review status: criteria provided, single submitter. Criteria: Invitae Variant Classification Sherloc (09022015). Collection method: clinical testing. Allele origin: germline.
Comment: This sequence change replaces valine with isoleucine at codon 2008 of the AKAP9 protein (p.Val2008Ile). The valine residue is highly conserved and there is a small physicochemical difference between valine and isoleucine. Algorithms developed to predict the effect of missense changes on protein structure and function do not agree on the potential impact of this missense change (SIFT: "Tolerated"; PolyPhen-2: "Possibly Damaging"; Align-GVGD: "Class C0"). This variant is not present in population databases (ExAC no frequency) and has not been reported in the literature in individuals with an AKAP9-related disease. In summary, this variant is a novel missense change with uncertain impact on protein function. It has been classified as a Variant of Uncertain Significance.